The following is an entry in ClinVar:

ClinVar aggregate classification (germline): Pathogenic. Review status: reviewed by expert panel (3 of 4 stars). 3 submissions from 3 submitters: Pathogenic (1). 2 of the submissions do not count toward it. Last evaluated 2017-12-15.

Conditions:
Hereditary breast ovarian cancer syndrome. Also called: Hereditary breast and ovarian cancer syndrome; Hereditary breast and ovarian cancer; Hereditary breast and ovarian cancer syndrome (HBOC); Breast and ovarian cancer; Hereditary breast and/or ovarian cancer syndrome; BRCA1- and BRCA2-Associated Hereditary Breast and Ovarian Cancer. Identifiers: Orphanet 145, MedGen C0677776, MeSH D061325, MONDO:0003582. Disease mechanism: loss of function.
Breast-ovarian cancer, familial, susceptibility to, 2 (BROVCA2). Also called: BRCA2 Hereditary Breast and Ovarian Cancer. Identifiers: Orphanet 145, MedGen C2675520, MONDO:0012933, OMIM 612555. Disease mechanism: loss of function.
Familial cancer of breast. Also called: BREAST CANCER, FAMILIAL; Hereditary breast cancer; hereditary breast carcinoma. Identifiers: Orphanet 227535, MedGen C0346153, MONDO:0016419, OMIM 114480. Disease mechanism: loss of function.

Submissions (3):

Evidence-based Network for the Interpretation of Germline Mutant Alleles (ENIGMA)
Classification: Pathogenic for Breast-ovarian cancer, familial, susceptibility to, 2. Last evaluated: 2017-12-15. Review status: reviewed by expert panel. Criteria: ENIGMA BRCA1/2 Classification Criteria (2017-06-29). Collection method: curation. Allele origin: germline. Study: ENIGMA.
Comment: Variant allele predicted to encode a truncated non-functional protein.

Labcorp Genetics (formerly Invitae), Labcorp
Classification: Pathogenic for Hereditary breast ovarian cancer syndrome. Last evaluated: 2024-04-08. Review status: criteria provided, single submitter. Criteria: Invitae Variant Classification Sherloc (09022015). Collection method: clinical testing. Allele origin: germline. Not counted in ClinVar's aggregate classification.
Comment: This sequence change creates a premature translational stop signal (p.Thr122Leufs*14) in the BRCA2 gene. It is expected to result in an absent or disrupted protein product. Loss-of-function variants in BRCA2 are known to be pathogenic (PMID: 20104584). This variant is not present in population databases (gnomAD no frequency). This premature translational stop signal has been observed in individual(s) with breast cancer (PMID: 20104584). This variant is also known as c.592delA. ClinVar contains an entry for this variant (Variation ID: 51499). Algorithms developed to predict the effect of sequence changes on RNA splicing suggest that this variant may disrupt the consensus splice site. For these reasons, this variant has been classified as Pathogenic.

ClinVar Staff, National Center for Biotechnology Information (NCBI)
No classification provided. Condition: Familial cancer of breast. Review status: no classification provided. Collection method: literature only. Allele origin: germline. Affected: yes. Not counted in ClinVar's aggregate classification.

Literature cited by the submitters: PubMed 20104584 (cited by Labcorp Genetics (formerly Invitae), Labcorp and ClinVar Staff, National Center for Biotechnology Information (NCBI)).

NM_000059.4(BRCA2):c.364del (p.Thr122fs)

Gene: BRCA2 (BRCA2 DNA repair associated; plus strand). Cytogenetic location: 13q13.1.
Variant type: Deletion.
Coding change: c.364del on transcript NM_000059.4 (MANE Select); coding-DNA position 364, one base deleted (A; older notation c.364delA).
Protein change: p.Thr122fs; shifts the reading frame from threonine 122.
Molecular consequence: frameshift variant.
Genome position (GRCh38, 1-based): chr13:32,325,123, A deleted; the last of 4 consecutive A bases (chr13:32,325,120-32,325,123); deleting any one gives the same sequence. VCF-style (leftmost placement, unchanged base first): chr13-32325119-GA-G. GRCh37 (hg19) VCF-style: chr13-32899256-GA-G.
Other names: c.364delA (NM_000059.3); short protein forms T122fs.
Identifiers: ClinVar variation 51499 (VCV000051499.12), dbSNP rs397507680, ClinGen allele CA018470.